The following is an entry in ClinVar:

NM_000093.5(COL5A1):c.2984C>T (p.Pro995Leu)

Gene: COL5A1 (collagen type V alpha 1 chain; plus strand). Cytogenetic location: 9q34.3.
Variant type: single nucleotide variant.
Coding change: c.2984C>T on transcript NM_000093.5 (MANE Select); coding-DNA position 2984, C replaced by T.
Protein change: p.Pro995Leu; replaces proline 995 with leucine.
Molecular consequence: missense variant.
Genome position (GRCh38, 1-based): chr9:134,801,985, C>T. VCF-style: chr9-134801985-C-T. GRCh37 (hg19) VCF-style: chr9-137693831-C-T.
Other names: c.2984C>T, p.Pro995Leu (NM_001278074.1); short protein forms P995L.
Identifiers: ClinVar variation 2200079 (VCV002200079.4), dbSNP rs1838132192, ClinGen allele CA375447656.
Genomic context (GRCh38, chr9:134,801,985, plus strand): 5'-CCGTCAGTGCAGTGACTCTCTCTTCACAGGGTTTCCAAGGCAAGACCGGCCCTCCAGGCC[C>T]CCCCGGCGTGGTCGGCCCTCAGGTAAGCTCCAGCCTTCCCAGATTCCATGGGTCACTCGG-3'
Protein context (NP_000084.3, residues 985-1005): GFQGKTGPPG[Pro995Leu]PGVVGPQGPT

ClinVar aggregate classification (germline): Uncertain significance (1 of 4 stars; one submission).

Conditions:
Ehlers-Danlos syndrome, classic type, 1 (EDSCL1). Also called: Ehlers-Danlos Syndrome, Classic Type, COL5A1-Related; EHLERS-DANLOS SYNDROME, GRAVIS TYPE; EHLERS-DANLOS SYNDROME, SEVERE CLASSIC TYPE; Ehlers-Danlos syndrome, type 1; EDS I. Identifiers: MedGen C0268335, MONDO:0019567, OMIM 130000.

Allele frequency attached by ClinVar (database versions not stated): TOPMed below 0.00001.
gnomAD v4.1: 2 of 1,613,448 alleles (0.00012%); highest among the groups gnomAD compares: Non-Finnish European, 0.00017%; no homozygotes.

Submission:

Labcorp Genetics (formerly Invitae), Labcorp
Classification: Uncertain significance for Ehlers-Danlos syndrome, classic type, 1. Last evaluated: 2022-05-04. Review status: criteria provided, single submitter. Criteria: Invitae Variant Classification Sherloc (09022015). Collection method: clinical testing. Allele origin: germline.
Comment: In summary, the available evidence is currently insufficient to determine the role of this variant in disease. Therefore, it has been classified as a Variant of Uncertain Significance. Advanced modeling of protein sequence and biophysical properties (such as structural, functional, and spatial information, amino acid conservation, physicochemical variation, residue mobility, and thermodynamic stability) performed at Invitae indicates that this missense variant is not expected to disrupt COL5A1 protein function. This variant has not been reported in the literature in individuals affected with COL5A1-related conditions. This variant is not present in population databases (gnomAD no frequency). This sequence change replaces proline, which is neutral and non-polar, with leucine, which is neutral and non-polar, at codon 995 of the COL5A1 protein (p.Pro995Leu).